The following is an entry in ClinVar:

ClinVar aggregate classification (germline): Uncertain significance (1 of 4 stars; one submission).

Conditions:
Wilms tumor 1 (WT1). Also called: Wilms tumor, somatic. Identifiers: Orphanet 654, MedGen CN033288, MONDO:0008679, OMIM 194070.

Submission:

Labcorp Genetics (formerly Invitae), Labcorp
Classification: Uncertain significance for Wilms tumor 1. Last evaluated: 2022-08-06. Review status: criteria provided, single submitter. Criteria: Invitae Variant Classification Sherloc (09022015). Collection method: clinical testing. Allele origin: germline.
Comment: This variant has not been reported in the literature in individuals affected with GPC3-related conditions. This variant is not present in population databases (gnomAD no frequency). This sequence change replaces proline, which is neutral and non-polar, with serine, which is neutral and polar, at codon 457 of the GPC3 protein (p.Pro457Ser). In summary, the available evidence is currently insufficient to determine the role of this variant in disease. Therefore, it has been classified as a Variant of Uncertain Significance. Algorithms developed to predict the effect of missense changes on protein structure and function are either unavailable or do not agree on the potential impact of this missense change (SIFT: "Tolerated"; PolyPhen-2: "Possibly Damaging"; Align-GVGD: "Class C0").

NM_004484.4(GPC3):c.1369C>T (p.Pro457Ser)

Gene: GPC3 (glypican 3; minus strand). Cytogenetic location: Xq26.2.
Variant type: single nucleotide variant.
Coding change: c.1369C>T on transcript NM_004484.4 (MANE Select); coding-DNA position 1369, C replaced by T.
Protein change: p.Pro457Ser; replaces proline 457 with serine.
Molecular consequence: missense variant.
Genome position (GRCh38, 1-based): chrX:133,661,774, G>A on the plus strand (C>T on the coding strand, the complement: GPC3 is on the minus strand). VCF-style: chrX-133661774-G-A. GRCh37 (hg19) VCF-style: chrX-132795802-G-A.
Other names: c.1438C>T, p.Pro480Ser (NM_001164617.2); c.1321C>T, p.Pro441Ser (NM_001164618.2); c.1207C>T, p.Pro403Ser (NM_001164619.2); short protein forms P403S, P441S, P457S, P480S.
Identifiers: ClinVar variation 1715280 (VCV001715280.6), dbSNP rs2070729125, ClinGen allele CA414704492.
Genomic context (GRCh38, chrX:133,661,774, plus strand): 5'-TTTATATTCCACATACCTGGTTAATGTGCTTCAGTTTGTCAATAATTTGACTGACCACTG[G>A]CTCAGGGCCCTTCATTTTCAGCTCATGGAGATTGAACTGGTTTTTCATTCCATTCCTTGC-3'
Protein context (NP_004475.1, residues 447-467): LHELKMKGPE[Pro457Ser]VVSQIIDKLK